The following is an entry in ClinVar:

NM_000400.4(ERCC2):c.2019C>A (p.Asp673Glu)

Gene: ERCC2 (ERCC excision repair 2, TFIIH core complex helicase subunit; minus strand). Cytogenetic location: 19q13.32.
Variant type: single nucleotide variant.
Coding change: c.2019C>A on transcript NM_000400.4 (MANE Select); coding-DNA position 2019, C replaced by A.
Protein change: p.Asp673Glu; replaces aspartic acid 673 with glutamic acid.
Molecular consequence: missense variant.
Genome position (GRCh38, 1-based): chr19:45,352,533, G>T on the plus strand (C>A on the coding strand, the complement: ERCC2 is on the minus strand). VCF-style: chr19-45352533-G-T. GRCh37 (hg19) VCF-style: chr19-45855791-G-T.
Other names: short protein forms D673E.
Identifiers: ClinVar variation 1784496 (VCV001784496.2), dbSNP rs2513999164, ClinGen allele CA406362871.
Genomic context (GRCh38, chr19:45,352,533, plus strand): 5'-GATGGGAGCACAGGGGCACCCCTGAAGCTGCACCTTGTCGGCAAAGACCATGAGGCCGTA[G>T]TCCGTCTTGCCCCTGATGGCCCGACCCACACACTGGGCCGCGTGGCGCATGGCATCGAAG-3'
Protein context (NP_000391.1, residues 663-683): CVGRAIRGKT[Asp673Glu]YGLMVFADKR

ClinVar aggregate classification (germline): Uncertain significance (1 of 4 stars; one submission).

Conditions:
Inborn genetic diseases. Identifiers: MedGen C0950123, MeSH D030342.

Submission:

Ambry Genetics
Classification: Uncertain significance for Inborn genetic diseases. Last evaluated: 2022-03-16. Review status: criteria provided, single submitter. Criteria: Ambry Variant Classification Scheme 2023. Collection method: clinical testing. Allele origin: germline.
Comment: The p.D673E variant (also known as c.2019C>A), located in coding exon 21 of the ERCC2 gene, results from a C to A substitution at nucleotide position 2019. The aspartic acid at codon 673 is replaced by glutamic acid, an amino acid with highly similar properties. This amino acid position is conserved. In addition, this alteration is predicted to be deleterious by in silico analysis. Since supporting evidence is limited at this time, the clinical significance of this alteration remains unclear.